The following is an entry in ClinVar:

ClinVar aggregate classification (germline): Pathogenic. Review status: criteria provided, multiple submitters, no conflicts (2 of 4 stars). 3 submissions from 3 submitters: Pathogenic (3). Last evaluated 2025-11-07.

Conditions:
EXT2-related disorder. Also called: EXT2-related condition.
Exostoses, multiple, type 2 (EXT2). Also called: EXOSTOSES, MULTIPLE, TYPE II; Hereditary Multiple Osteochondromatosis, Type II. Identifiers: Orphanet 321, MedGen C1851413, MONDO:0007586, OMIM 133701.

Submissions (3):

PreventionGenetics, part of Exact Sciences
Classification: Pathogenic for EXT2-related condition. Last evaluated: 2025-11-07. Review status: criteria provided, single submitter. Criteria: ACMG Guidelines, 2015. Collection method: clinical testing. Allele origin: germline.
Comment: The EXT2 c.539G>A variant is predicted to result in premature protein termination (p.Trp180*). This variant has been reported to be causative for autosomal dominant hereditary multiple osteochondromas (Wuyts et al. 2005. PubMed ID: 16283885; Stancheva-Ivanova et al. 2011. PubMed ID: 21499719; Sarrión et al. 2013. PubMed ID: 23439489). This variant has not been reported in a large population database (gnomAD), indicating this variant is rare. This variant is interpreted as pathogenic in ClinVar (ClinVar ID: 265472). Nonsense variants in EXT2 are expected to be pathogenic. This variant is interpreted as pathogenic.

Labcorp Genetics (formerly Invitae), Labcorp
Classification: Pathogenic for Exostoses, multiple, type 2. Last evaluated: 2025-07-18. Review status: criteria provided, single submitter. Criteria: Invitae Variant Classification Sherloc (09022015). Collection method: clinical testing. Allele origin: germline.
Comment: This sequence change creates a premature translational stop signal (p.Trp180*) in the EXT2 gene. It is expected to result in an absent or disrupted protein product. Loss-of-function variants in EXT2 are known to be pathogenic (PMID: 10679937, 19810120). This variant is not present in population databases (gnomAD no frequency). This premature translational stop signal has been observed in individual(s) with multiple osteochondromas (PMID: 16283885, 23439489). ClinVar contains an entry for this variant (Variation ID: 265472). For these reasons, this variant has been classified as Pathogenic.

GeneDx
Classification: Pathogenic. Last evaluated: 2016-02-08. Review status: criteria provided, single submitter. Criteria: GeneDx Variant Classification (06012015). Collection method: clinical testing. Allele origin: germline. Affected: yes.
Comment: This pathogenic variant is predicted to cause loss of normal protein function either through protein truncation or nonsense-mediated mRNA decay. The variant was not observed in approximately 6,500 individuals of European and African American ancestry in the NHLBI Exome Sequencing Project, indicating it is not a common benign variant in these populations.

Literature cited by the submitters: PubMed 10679937 (cited by Labcorp Genetics (formerly Invitae), Labcorp); PubMed 19810120 (cited by Labcorp Genetics (formerly Invitae), Labcorp); PubMed 16283885 (cited by Labcorp Genetics (formerly Invitae), Labcorp); PubMed 23439489 (cited by Labcorp Genetics (formerly Invitae), Labcorp).

NM_207122.2(EXT2):c.539G>A (p.Trp180Ter)

Gene: EXT2 (exostosin glycosyltransferase 2; plus strand). Cytogenetic location: 11p11.2.
Variant type: single nucleotide variant.
Coding change: c.539G>A on transcript NM_207122.2 (MANE Select); coding-DNA position 539, G replaced by A.
Protein change: p.Trp180Ter; replaces tryptophan 180 with a stop codon.
Molecular consequence: nonsense.
Genome position (GRCh38, 1-based): chr11:44,109,196, G>A. VCF-style: chr11-44109196-G-A. GRCh37 (hg19) VCF-style: chr11-44130746-G-A.
Other names: c.638G>A, p.Trp213Ter (NM_000401.3); c.539G>A, p.Trp180Ter (NM_001178083.3, NM_001389628.1, NM_001389630.1); short protein forms W180*, W213*.
Identifiers: ClinVar variation 265472 (VCV000265472.11), dbSNP rs886039565, ClinGen allele CA10588519.